The following is an entry in ClinVar:

NM_000035.4(ALDOB):c.408_409del (p.Gln137fs)

Gene: ALDOB (aldolase, fructose-bisphosphate B; minus strand). Cytogenetic location: 9q31.1.
Variant type: Deletion.
Coding change: c.408_409del on transcript NM_000035.4 (MANE Select); coding-DNA positions 408 to 409, 2 bases deleted (TC; older notation c.408_409delTC).
Protein change: p.Gln137fs; shifts the reading frame from glutamine 137.
Molecular consequence: frameshift variant.
Genome position (GRCh38, 1-based): chr9:101,427,613-101,427,614, GA deleted on the plus strand (TC on the coding strand, the reverse complement: ALDOB is on the minus strand); deleting any 2 consecutive bases within chr9:101,427,613-101,427,615 gives the same sequence; the c. name uses the placement nearest the transcript's 3' end. VCF-style (leftmost placement, unchanged base first): chr9-101427612-TGA-T. GRCh37 (hg19) VCF-style: chr9-104189894-TGA-T.
Other names: short protein forms Q137fs.
Identifiers: ClinVar variation 5014214 (VCV005014214.1).
Genomic context (GRCh38, chr9:101,427,612, plus strand): 5'-TGGTCGGCAATCCTCAGCACAGCACGCCACTTCCCAAAGTCAACACCATCTTTCTTGTAC[TGA>T]GCACAGCGCTCTGAGAGGCCATCAAGCCCTGCAAGTCACAAAAGAGAGAAAGGCTTCTTT-3'

ClinVar aggregate classification (germline): Pathogenic (1 of 4 stars; one submission).

Conditions:
Hereditary fructosuria. Also called: FRUCTOSEMIA; Hereditary fructose intolerance; ALDOB DEFICIENCY; ALDOLASE B DEFICIENCY; FRUCTOSE-1,6-BISPHOSPHATE ALDOLASE B DEFICIENCY; FRUCTOSE-1-PHOSPHATE ALDOLASE DEFICIENCY. Identifiers: Orphanet 469, MedGen C0016751, MONDO:0009249, OMIM 229600, HP:0005973. Disease mechanism: loss of function.

Submission:

Myriad Genetics, Inc.
Classification: Pathogenic for Hereditary fructosuria. Last evaluated: 2025-03-14. Review status: criteria provided, single submitter. Criteria: Myriad Autosomal Dominant, Autosomal Recessive and X-Linked Classification Criteria (2023). Collection method: clinical testing. Allele origin: unknown.
Comment: NM_000035.3(ALDOB):c.408_409delTC(Q137Vfs*7) is expected to be pathogenic in the context of hereditary fructose intolerance. This variant is predicted to lead to an abnormal or absent protein product due to the creation of a premature termination codon in ALDOB, a gene where loss-of-function variants are known to be pathogenic. Please note: this variant was assessed in the context of healthy population screening.